The following is an entry in ClinVar:

ClinVar aggregate classification (germline): Uncertain significance. Review status: criteria provided, multiple submitters, no conflicts (2 of 4 stars). 3 submissions from 3 submitters: Uncertain significance (2). 1 of the submissions does not count toward it. Last evaluated 2024-11-11.

Conditions:
Inborn genetic diseases. Identifiers: MedGen C0950123, MeSH D030342.
Cognitive impairment - coarse facies - heart defects - obesity - pulmonary involvement - short stature - skeletal dysplasia syndrome. Also called: Chops syndrome; AFF4-Related CHOPS Syndrome; COGNITIVE IMPAIRMENT, COARSE FACIES, HEART DEFECTS, OBESITY, PULMONARY INVOLVEMENT, SHORT STATURE, AND SKELETAL DYSPLASIA. Identifiers: Orphanet 444077, MedGen C4085597, MONDO:0014609, OMIM 616368.
AFF4-related disorder. Also called: AFF4-related condition.

Allele frequency attached by ClinVar (database versions not stated): TOPMed 0.00003; gnomAD exomes 0.00004; ESP Exome Variant Server 0.00008; gnomAD 0.00001; ExAC 0.00002.
gnomAD v4.1: 60 of 1,614,022 alleles (0.0037%); highest among the groups gnomAD compares: Non-Finnish European, 0.0049%; no homozygotes.

Submissions (3):

Ambry Genetics
Classification: Uncertain significance for Inborn genetic diseases. Last evaluated: 2024-11-11. Review status: criteria provided, single submitter. Criteria: Ambry Variant Classification Scheme 2023. Collection method: clinical testing. Allele origin: germline.

Labcorp Genetics (formerly Invitae), Labcorp
Classification: Uncertain significance for Cognitive impairment - coarse facies - heart defects - obesity - pulmonary involvement - short stature - skeletal dysplasia syndrome. Last evaluated: 2023-08-02. Review status: criteria provided, single submitter. Criteria: Invitae Variant Classification Sherloc (09022015). Collection method: clinical testing. Allele origin: germline.
Comment: This sequence change replaces isoleucine, which is neutral and non-polar, with methionine, which is neutral and non-polar, at codon 613 of the AFF4 protein (p.Ile613Met). This variant has not been reported in the literature in individuals affected with AFF4-related conditions. This variant is present in population databases (rs377639131, gnomAD 0.005%). Advanced modeling of protein sequence and biophysical properties (such as structural, functional, and spatial information, amino acid conservation, physicochemical variation, residue mobility, and thermodynamic stability) performed at Invitae indicates that this missense variant is expected to disrupt AFF4 protein function. In summary, the available evidence is currently insufficient to determine the role of this variant in disease. Therefore, it has been classified as a Variant of Uncertain Significance.

PreventionGenetics, part of Exact Sciences
Classification: Uncertain significance for AFF4-related condition. Last evaluated: 2024-05-31. Review status: no assertion criteria provided. Collection method: clinical testing. Allele origin: germline. Not counted in ClinVar's aggregate classification.
Comment: The AFF4 c.1839A>G variant is predicted to result in the amino acid substitution p.Ile613Met. To our knowledge, this variant has not been reported in the literature. This variant is reported in 0.0044% of alleles in individuals of European (Non-Finnish) descent in gnomAD. At this time, the clinical significance of this variant is uncertain due to the absence of conclusive functional and genetic evidence.

NM_014423.4(AFF4):c.1839A>G (p.Ile613Met)

Gene: AFF4 (ALF transcription elongation factor 4; minus strand). Cytogenetic location: 5q31.1.
Variant type: single nucleotide variant.
Coding change: c.1839A>G on transcript NM_014423.4 (MANE Select); coding-DNA position 1839, A replaced by G.
Protein change: p.Ile613Met; replaces isoleucine 613 with methionine.
Molecular consequence: missense variant.
Genome position (GRCh38, 1-based): chr5:132,896,791, T>C on the plus strand (A>G on the coding strand, the complement: AFF4 is on the minus strand). VCF-style: chr5-132896791-T-C. GRCh37 (hg19) VCF-style: chr5-132232483-T-C.
Other names: c.1839A>G (NM_014423.3); short protein forms I613M.
Identifiers: ClinVar variation 2814005 (VCV002814005.5), dbSNP rs377639131, ClinGen allele CA3409032.